The following is an entry in ClinVar:

NM_006245.4(PPP2R5D):c.91G>A (p.Glu31Lys)

Gene: PPP2R5D (protein phosphatase 2 regulatory subunit B'delta; plus strand). Cytogenetic location: 6p21.1.
Variant type: single nucleotide variant.
Coding change: c.91G>A on transcript NM_006245.4 (MANE Select); coding-DNA position 91, G replaced by A.
Protein change: p.Glu31Lys; replaces glutamic acid 31 with lysine.
Molecular consequence: missense variant. On other transcripts: 5 prime UTR variant (1), intron variant (1).
Genome position (GRCh38, 1-based): chr6:42,989,674, G>A. VCF-style: chr6-42989674-G-A. GRCh37 (hg19) VCF-style: chr6-42957412-G-A.
Other names: c.-380G>A (NM_001270476.2); c.91G>A, p.Glu31Lys (NM_180976.3); c.27+4970G>A (NM_180977.3); short protein forms E31K.
Identifiers: ClinVar variation 1496829 (VCV001496829.6), dbSNP rs764794443, ClinGen allele CA364175039.

ClinVar aggregate classification (germline): Uncertain significance (1 of 4 stars; one submission).

Allele frequency attached by ClinVar (database versions not stated): gnomAD 0.00001.
gnomAD v4.1: 12 of 1,613,582 alleles (0.00074%); highest among the groups gnomAD compares: East Asian, 0.0067%; no homozygotes.

Submission:

Labcorp Genetics (formerly Invitae), Labcorp
Classification: Uncertain significance. Last evaluated: 2022-11-22. Review status: criteria provided, single submitter. Criteria: Invitae Variant Classification Sherloc (09022015). Collection method: clinical testing. Allele origin: germline.
Comment: In summary, the available evidence is currently insufficient to determine the role of this variant in disease. Therefore, it has been classified as a Variant of Uncertain Significance. Algorithms developed to predict the effect of missense changes on protein structure and function (SIFT, PolyPhen-2, Align-GVGD) all suggest that this variant is likely to be tolerated. ClinVar contains an entry for this variant (Variation ID: 1496829). This variant has not been reported in the literature in individuals affected with PPP2R5D-related conditions. This variant is present in population databases (no rsID available, gnomAD 0.004%). This sequence change replaces glutamic acid, which is acidic and polar, with lysine, which is basic and polar, at codon 31 of the PPP2R5D protein (p.Glu31Lys).